The following is an entry in ClinVar:

ClinVar aggregate classification (germline): Uncertain significance. Review status: criteria provided, multiple submitters, no conflicts (2 of 4 stars). 4 submissions from 4 submitters: Uncertain significance (4). Last evaluated 2026-01-20.

Conditions:
Cardioencephalomyopathy, fatal infantile, due to cytochrome c oxidase deficiency 1 (MC4DN2). Also called: MITOCHONDRIAL COMPLEX IV DEFICIENCY, NUCLEAR TYPE 2; CYTOCHROME c OXIDASE DEFICIENCY, FATAL INFANTILE, WITH CARDIOENCEPHALOMYOPATHY. Identifiers: Orphanet 1561, MedGen C5399977, MONDO:0011451, OMIM 604377.

Allele frequency attached by ClinVar (database versions not stated): gnomAD 0.00007; ExAC 0.00008; ESP Exome Variant Server 0.00008.
gnomAD v4.1: 42 of 1,613,272 alleles (0.0026%); highest among the groups gnomAD compares: East Asian, 0.049%; no homozygotes.

Submissions (4):

Women's Health and Genetics/Laboratory Corporation of America, LabCorp
Classification: Uncertain significance. Last evaluated: 2026-01-20. Review status: criteria provided, single submitter. Criteria: LabCorp Variant Classification Summary - May 2015. Collection method: clinical testing. Allele origin: germline.
Comment: Variant summary: SCO2 c.358C>T (p.Arg120Trp) results in a non-conservative amino acid change in the encoded protein sequence. Algorithms developed to predict the effect of missense changes on protein structure and function all suggest that this variant is likely to be disruptive. The variant allele was found at a frequency of 8e-05 in 250774 control chromosomes. This frequency is not significantly higher than estimated for disease-causing variants in SCO2, allowing no conclusion about variant significance. c.358C>T has been observed in individuals affected with Myopia or Motor-predominant polyneuropathy (Jiang_2015, Chen_2023). These data do not allow any conclusion about variant significance. To our knowledge, no experimental evidence demonstrating an impact on protein function has been reported. The following publications have been ascertained in the context of this evaluation (PMID: 37066920, 25525168). ClinVar contains an entry for this variant (Variation ID: 1709774). Based on the evidence outlined above, the variant was classified as uncertain significance.

GeneDx
Classification: Uncertain significance. Last evaluated: 2023-07-13. Review status: criteria provided, single submitter. Criteria: GeneDx Variant Classification Process June 2021. Collection method: clinical testing. Allele origin: germline. Affected: yes.
Comment: Observed with another variant in a patient with CMT type 4; however, it is unclear whether the variants are on the same allele (in cis) or on opposite alleles (in trans) (Chen et al., 2023); Observed in a patient with high myopia; however, additional clinical information was not provided (Jiang et al., 2015); In silico analysis supports that this missense variant does not alter protein structure/function; This variant is associated with the following publications: (PMID: 31472110, 29386878, 37066920, 34222226, 25525168)

Labcorp Genetics (formerly Invitae), Labcorp
Classification: Uncertain significance. Last evaluated: 2022-10-16. Review status: criteria provided, single submitter. Criteria: Invitae Variant Classification Sherloc (09022015). Collection method: clinical testing. Allele origin: germline.
Comment: This sequence change replaces arginine, which is basic and polar, with tryptophan, which is neutral and slightly polar, at codon 120 of the SCO2 protein (p.Arg120Trp). This variant is present in population databases (rs375954523, gnomAD 0.08%). This variant has not been reported in the literature in individuals affected with SCO2-related conditions. Advanced modeling of protein sequence and biophysical properties (such as structural, functional, and spatial information, amino acid conservation, physicochemical variation, residue mobility, and thermodynamic stability) has been performed at Invitae for this missense variant, however the output from this modeling did not meet the statistical confidence thresholds required to predict the impact of this variant on SCO2 protein function. In summary, the available evidence is currently insufficient to determine the role of this variant in disease. Therefore, it has been classified as a Variant of Uncertain Significance.

MGZ Medical Genetics Center
Classification: Uncertain significance for Cardioencephalomyopathy, fatal infantile, due to cytochrome c oxidase deficiency 1. Last evaluated: 2022-08-26. Review status: criteria provided, single submitter. Criteria: ACMG Guidelines, 2015. Collection method: clinical testing. Allele origin: germline. Affected: yes. Observed: 2 variant alleles.
Comment: ACMG criteria applied: PM3, PM2_SUP, PP3

Literature cited by the submitters: PubMed 37066920 (cited by Women's Health and Genetics/Laboratory Corporation of America, LabCorp); PubMed 25525168 (cited by Women's Health and Genetics/Laboratory Corporation of America, LabCorp).

NM_005138.3(SCO2):c.358C>T (p.Arg120Trp)

Genes: SCO2 (synthesis of cytochrome C oxidase 2; minus strand), NCAPH2 (non-SMC condensin II complex subunit H2; plus strand). Cytogenetic location: 22q13.33.
Variant type: single nucleotide variant.
Coding change: c.358C>T on transcript NM_005138.3 (MANE Select); coding-DNA position 358, C replaced by T.
Protein change: p.Arg120Trp; replaces arginine 120 with tryptophan.
Molecular consequence: missense variant. On other transcripts: 3 prime UTR variant (2).
Genome position (GRCh38, 1-based): chr22:50,524,054, G>A on the plus strand (C>T on the coding strand, the complement: SCO2 is on the minus strand). VCF-style: chr22-50524054-G-A. GRCh37 (hg19) VCF-style: chr22-50962483-G-A.
Other names: c.358C>T (NM_005138.2); c.*679G>A (NM_001185011.2, NM_152299.4); c.358C>T, p.Arg120Trp (NM_001169109.2, NM_001169110.1, NM_001169111.2); short protein forms R120W.
Identifiers: ClinVar variation 1709774 (VCV001709774.6), dbSNP rs375954523, ClinGen allele CA10321225.
Genomic context (GRCh38, chr22:50,524,054, plus strand): 5'-CGTCTGGGCAGATGTCAGGGCAGTGAGTGAAGCCAAAGTACATCAGCACCCACTGGCCCC[G>A]GAAGTCAGCCTTGCAGCGAGCCCGGCCTCTGTGATCCAGCAGGTGGAAGTCGCCCTGGCC-3'
Protein context (NP_005129.2, residues 110-130): RGRARCKADF[Arg120Trp]GQWVLMYFGF